The following is an entry in ClinVar:

ClinVar aggregate classification (germline): Uncertain significance (1 of 4 stars; one submission).

Conditions:
3-methylglutaconic aciduria, type VIIB (MGCA7B). Also called: 3-methylglutaconic aciduria, type VII, with cataracts, neurologic involvement and neutropenia; CLPB Deficiency; 3-methylglutaconic aciduria with cataracts, neurologic involvement and neutropenia. Identifiers: Orphanet 445038, MedGen C5676893, MONDO:0014561, OMIM 616271.

Submission:

Labcorp Genetics (formerly Invitae), Labcorp
Classification: Uncertain significance for 3-methylglutaconic aciduria with cataracts, neurologic involvement, and neutropenia. Last evaluated: 2019-06-12. Review status: criteria provided, single submitter. Criteria: Invitae Variant Classification Sherloc (09022015). Collection method: clinical testing. Allele origin: germline.
Comment: This sequence change replaces arginine with glutamine at codon 19 of the CLPB protein (p.Arg19Gln). The arginine residue is weakly conserved and there is a small physicochemical difference between arginine and glutamine. This variant is not present in population databases (ExAC no frequency). This variant has not been reported in the literature in individuals with CLPB-related conditions. Algorithms developed to predict the effect of missense changes on protein structure and function output the following: SIFT: "Tolerated"; PolyPhen-2: "Not Available"; Align-GVGD: "Class C0". The glutamine amino acid residue is found in multiple mammalian species, suggesting that this missense change does not adversely affect protein function. These predictions have not been confirmed by published functional studies and their clinical significance is uncertain. Algorithms developed to predict the effect of sequence changes on RNA splicing suggest that this variant may create or strengthen a splice site, but this prediction has not been confirmed by published transcriptional studies. In summary, the available evidence is currently insufficient to determine the role of this variant in disease. Therefore, it has been classified as a Variant of Uncertain Significance.

NM_001258392.3(CLPB):c.56G>A (p.Arg19Gln)

Genes: CLPB (ClpB family mitochondrial disaggregase; minus strand), LOC130006336 (ATAC-STARR-seq lymphoblastoid active region 5191; plus strand). Cytogenetic location: 11q13.4.
Variant type: single nucleotide variant.
Coding change: c.56G>A on transcript NM_001258392.3 (MANE Select); coding-DNA position 56, G replaced by A.
Protein change: p.Arg19Gln; replaces arginine 19 with glutamine.
Molecular consequence: missense variant. On other transcripts: 5 prime UTR variant (1).
Genome position (GRCh38, 1-based): chr11:72,434,419, C>T on the plus strand (G>A on the coding strand, the complement: CLPB is on the minus strand). VCF-style: chr11-72434419-C-T. GRCh37 (hg19) VCF-style: chr11-72145463-C-T.
Other names: c.56G>A, p.Arg19Gln (NM_001258393.3, NM_030813.6); c.-187G>A (NM_001258394.3); short protein forms R19Q.
Identifiers: ClinVar variation 946252 (VCV000946252.1), dbSNP rs1856655686, ClinGen allele CA381964137.
Genomic context (GRCh38, chr11:72,434,419, plus strand): 5'-GTAGTCACATTCCGGCCGGAAGCACCTCCATGGCCCCGGAGCGTTGGGGACCTGAGCAGC[C>T]GGAGGAGTAGCCGTGGCGCCAGTGCTTTTCTCCTCAACACCAGGGACCCCAGCATCTTGA-3'
Protein context (NP_001245321.1, residues 9-29): RKALAPRLLL[Arg19Gln]LLRSPTLRGH